The following is an entry in ClinVar:

ClinVar aggregate classification (germline): Likely pathogenic (1 of 4 stars; one submission).

Submission:

GeneDx
Classification: Likely pathogenic. Last evaluated: 2025-06-21. Review status: criteria provided, single submitter. Criteria: GeneDx Variant Classification Process June 2021. Collection method: clinical testing. Allele origin: germline. Affected: yes.
Comment: Frameshift variant predicted to result in protein truncation or nonsense mediated decay in a gene for which loss of function is a known mechanism of disease; Not observed at significant frequency in large population cohorts (gnomAD); Has not been previously published as pathogenic or benign to our knowledge

NM_033305.3(VPS13A):c.2701del (p.Cys901fs)

Gene: VPS13A (vacuolar protein sorting 13 homolog A; plus strand). Cytogenetic location: 9q21.2.
Variant type: Deletion.
Coding change: c.2701del on transcript NM_033305.3 (MANE Select); coding-DNA position 2701, one base deleted (T; older notation c.2701delT).
Protein change: p.Cys901fs; shifts the reading frame from cysteine 901.
Molecular consequence: frameshift variant.
Genome position (GRCh38, 1-based): chr9:77,276,098, T deleted; the last of 2 consecutive T bases (chr9:77,276,097-77,276,098); deleting either gives the same sequence. VCF-style (leftmost placement, unchanged base first): chr9-77276096-AT-A. GRCh37 (hg19) VCF-style: chr9-79891012-AT-A.
Other names: c.2701del, p.Cys901fs (NM_001018037.2, NM_001018038.3, NM_015186.4); c.2701delT (NM_033305.2); c.2701del (NM_033305.2); short protein forms C901fs.
Identifiers: ClinVar variation 503932 (VCV000503932.2), dbSNP rs1554879059, ClinGen allele CA658797218.